The following is an entry in ClinVar:

ClinVar aggregate classification (germline): Uncertain significance (1 of 4 stars; one submission).

gnomAD v4.1: 1 of 1,612,368 alleles (0.000062%); highest among the groups gnomAD compares: Non-Finnish European, 0.000085%; no homozygotes.

Submission:

GeneDx
Classification: Uncertain significance. Last evaluated: 2022-03-01. Review status: criteria provided, single submitter. Criteria: GeneDx Variant Classification Process June 2021. Collection method: clinical testing. Allele origin: germline. Affected: yes.
Comment: Not observed at significant frequency in large population cohorts (gnomAD); In silico analysis supports that this missense variant does not alter protein structure/function; Has not been previously published as pathogenic or benign to our knowledge

NM_006015.6(ARID1A):c.1652A>T (p.Tyr551Phe)

Gene: ARID1A (AT-rich interaction domain 1A; plus strand). Cytogenetic location: 1p36.11.
Variant type: single nucleotide variant.
Coding change: c.1652A>T on transcript NM_006015.6 (MANE Select); coding-DNA position 1652, A replaced by T.
Protein change: p.Tyr551Phe; replaces tyrosine 551 with phenylalanine.
Molecular consequence: missense variant.
Genome position (GRCh38, 1-based): chr1:26,731,453, A>T. VCF-style: chr1-26731453-A-T. GRCh37 (hg19) VCF-style: chr1-27057944-A-T.
Other names: c.1652A>T, p.Tyr551Phe (NM_139135.4); short protein forms Y551F.
Identifiers: ClinVar variation 1704125 (VCV001704125.2), dbSNP rs765337524, ClinGen allele CA339268540.